The following is an entry in ClinVar:

NM_002481.4(PPP1R12B):c.1646A>G (p.Tyr549Cys)

Gene: PPP1R12B (protein phosphatase 1 regulatory subunit 12B; plus strand). Cytogenetic location: 1q32.1.
Variant type: single nucleotide variant.
Coding change: c.1646A>G on transcript NM_002481.4 (MANE Select); coding-DNA position 1646, A replaced by G.
Protein change: p.Tyr549Cys; replaces tyrosine 549 with cysteine.
Molecular consequence: missense variant.
Genome position (GRCh38, 1-based): chr1:202,442,551, A>G. VCF-style: chr1-202442551-A-G. GRCh37 (hg19) VCF-style: chr1-202411679-A-G.
Other names: c.1646A>G, p.Tyr549Cys (NM_001331029.2, NM_001410283.1); short protein forms Y549C.
Identifiers: ClinVar variation 2639789 (VCV002639789.24), dbSNP rs142827848, ClinGen allele CA1333001.
Genomic context (GRCh38, chr1:202,442,551, plus strand): 5'-AGCTATGGAGGGATGAAGCAAAAGGAAATGAAATCCCACAGACAATTGCTCCCTCCACCT[A>G]TGTATCAACTTACTTGAAAAGGTACCAGGCTCAAAGGGGGTGGGAGATGTTTCTTTCACT-3'
Protein context (NP_002472.2, residues 539-559): EIPQTIAPST[Tyr549Cys]VSTYLKRTPH

ClinVar aggregate classification (germline): Likely benign (1 of 4 stars; one submission).

Allele frequency attached by ClinVar (database versions not stated): ExAC 0.00078; 1000 Genomes Project 30x 0.00203; gnomAD 0.00254; 1000 Genomes Project 0.00260; TOPMed 0.00274; ESP Exome Variant Server 0.00308.
gnomAD v4.1: 728 of 1,612,818 alleles (0.045%); highest among the groups gnomAD compares: African/African-American, 0.82%; 7 homozygotes.

Submission:

CeGaT Center for Human Genetics Tuebingen
Classification: Likely benign. Last evaluated: 2022-04-01. Review status: criteria provided, single submitter. Criteria: CeGaT Center For Human Genetics Tuebingen Variant Classification Criteria Version 2. Collection method: clinical testing. Allele origin: germline. Affected: yes. Observed: 1 variant allele.
Comment: PPP1R12B: BS2